The following is an entry in ClinVar:

ClinVar aggregate classification (germline): Uncertain significance (1 of 4 stars; one submission).

Conditions:
Inborn genetic diseases. Identifiers: MedGen C0950123, MeSH D030342.

Submission:

Ambry Genetics
Classification: Uncertain significance for Inborn genetic diseases. Last evaluated: 2024-12-09. Review status: criteria provided, single submitter. Criteria: Ambry Variant Classification Scheme 2023. Collection method: clinical testing. Allele origin: germline.
Comment: The p.Q1110P variant (also known as c.3329A>C), located in coding exon 13 of the ASXL1 gene, results from an A to C substitution at nucleotide position 3329. The glutamine at codon 1110 is replaced by proline, an amino acid with similar properties. This amino acid position is conserved. In addition, this alteration is predicted to be tolerated by in silico analysis. Based on the available evidence, the clinical significance of this variant remains unclear.

NM_015338.6(ASXL1):c.3329A>C (p.Gln1110Pro)

Gene: ASXL1 (ASXL transcriptional regulator 1; plus strand). Cytogenetic location: 20q11.21.
Variant type: single nucleotide variant.
Coding change: c.3329A>C on transcript NM_015338.6 (MANE Select); coding-DNA position 3329, A replaced by C.
Protein change: p.Gln1110Pro; replaces glutamine 1110 with proline.
Molecular consequence: missense variant.
Genome position (GRCh38, 1-based): chr20:32,436,041, A>C. VCF-style: chr20-32436041-A-C. GRCh37 (hg19) VCF-style: chr20-31023844-A-C.
Other names: c.3146A>C, p.Gln1049Pro (NM_001363734.1); short protein forms Q1110P, Q1049P.
Identifiers: ClinVar variation 3439873 (VCV003439873.1).